The following is an entry in ClinVar:

ClinVar aggregate classification (germline): Likely benign. Review status: criteria provided, single submitter (1 of 4 stars). 2 submissions from 2 submitters: Likely benign (1). 1 of the submissions does not count toward it. Last evaluated 2018-03-07.

Conditions:
DIP2B-related disorder. Also called: DIP2B-related condition.

Allele frequency attached by ClinVar (database versions not stated): gnomAD 0.00005 and 0.00019; TOPMed 0.00007; gnomAD exomes 0.00032 and 0.00064; 1000 Genomes Project 30x 0.00047; 1000 Genomes Project 0.00060; ExAC 0.00064.
gnomAD v4.1: 497 of 1,614,188 alleles (0.031%); highest among the groups gnomAD compares: South Asian, 0.47%; 4 homozygotes.

Submissions (2):

Labcorp Genetics (formerly Invitae), Labcorp
Classification: Likely benign. Last evaluated: 2018-03-07. Review status: criteria provided, single submitter. Criteria: Invitae Variant Classification Sherloc (09022015). Collection method: clinical testing. Allele origin: germline.

PreventionGenetics, part of Exact Sciences
Classification: Benign for DIP2B-related condition. Last evaluated: 2022-02-10. Review status: no assertion criteria provided. Collection method: clinical testing. Allele origin: germline. Not counted in ClinVar's aggregate classification.
Comment: This variant is classified as benign based on ACMG/AMP sequence variant interpretation guidelines (Richards et al. 2015 PMID: 25741868, with internal and published modifications).

NM_173602.3(DIP2B):c.3448C>T (p.Pro1150Ser)

Gene: DIP2B (disco interacting protein 2 homolog B; plus strand). Cytogenetic location: 12q13.12.
Variant type: single nucleotide variant.
Coding change: c.3448C>T on transcript NM_173602.3 (MANE Select); coding-DNA position 3448, C replaced by T.
Protein change: p.Pro1150Ser; replaces proline 1150 with serine.
Molecular consequence: missense variant.
Genome position (GRCh38, 1-based): chr12:50,727,750, C>T. VCF-style: chr12-50727750-C-T. GRCh37 (hg19) VCF-style: chr12-51121533-C-T.
Other names: short protein forms P1150S.
Identifiers: ClinVar variation 735647 (VCV000735647.5), dbSNP rs373279057, ClinGen allele CA6565096.